The following is an entry in ClinVar:

ClinVar aggregate classification (germline): not provided (0 of 4 stars; one submission).

Allele frequency attached by ClinVar (database versions not stated): gnomAD exomes 0.00252 and 0.00703; ExAC 0.00857; gnomAD 0.02657 and 0.02884; 1000 Genomes Project 30x 0.02717; 1000 Genomes Project 0.02796; TOPMed 0.03022; ESP Exome Variant Server 0.03038.
gnomAD v4.1: 7,840 of 1,612,690 alleles (0.49%); highest among the groups gnomAD compares: African/African-American, 9.4%; 364 homozygotes.

Submission:

ITMI
No classification provided. Condition: AllHighlyPenetrant. Last evaluated: 2013-09-19. Review status: no classification provided. Collection method: reference population. Allele origin: germline.
Comment: Please see associated publication for description of ethnicities

Literature cited by the submitters: PubMed 24728327.

NM_004448.4(ERBB2):c.1021+48C>T

Gene: ERBB2 (erb-b2 receptor tyrosine kinase 2; plus strand). Cytogenetic location: 17q12.
Variant type: single nucleotide variant.
Coding change: c.1021+48C>T on transcript NM_004448.4 (MANE Select); 48 bases into the intron after coding-DNA position 1021, C replaced by T.
Molecular consequence: intron variant.
Genome position (GRCh38, 1-based): chr17:39,712,095, C>T. VCF-style: chr17-39712095-C-T. GRCh37 (hg19) VCF-style: chr17-37868348-C-T.
Other names: c.931+48C>T (NM_001382782.1, NM_001005862.3, NM_001289938.2 and 1 more transcripts); c.976+48C>T (NM_001289936.2); c.1096+48C>T (NM_001382787.1); c.1021+48C>T (NM_001382784.1, NM_001382786.1, NM_001382789.1 and 16 more transcripts); c.763+48C>T (NM_001382802.1); c.841+48C>T (NM_001382799.1); c.1012+48C>T (NM_001382791.1); c.193+48C>T (NM_001382804.1).
Identifiers: ClinVar variation 135522 (VCV000135522.1), dbSNP rs4252625, ClinGen allele CA162979.